The following is an entry in ClinVar:

ClinVar aggregate classification (germline): Likely benign. Review status: criteria provided, multiple submitters, no conflicts (2 of 4 stars). 2 submissions from 2 submitters: Likely benign (2). Last evaluated 2025-11-01.

Submissions (2):

CeGaT Center for Human Genetics Tuebingen
Classification: Likely benign. Last evaluated: 2025-11-01. Review status: criteria provided, single submitter. Criteria: CeGaT Center For Human Genetics Tuebingen Variant Classification Criteria Version 2. Collection method: clinical testing. Allele origin: germline. Affected: yes. Observed: 1 variant allele.
Comment: POLR2A: BP4, BP7

Blueprint Genetics
Classification: Likely benign. Last evaluated: 2022-02-07. Review status: criteria provided, single submitter. Criteria: ACMG Guidelines, 2015. Collection method: clinical testing. Allele origin: germline.

NM_000937.5(POLR2A):c.609G>A (p.Lys203=)

Gene: POLR2A (RNA polymerase II subunit A; plus strand). Cytogenetic location: 17p13.1.
Variant type: single nucleotide variant.
Coding change: c.609G>A on transcript NM_000937.5 (MANE Select); coding-DNA position 609, G replaced by A.
Protein change: p.Lys203=; no amino-acid change (lysine 203 retained).
Molecular consequence: synonymous variant.
Genome position (GRCh38, 1-based): chr17:7,496,835, G>A. VCF-style: chr17-7496835-G-A. GRCh37 (hg19) VCF-style: chr17-7400154-G-A.
Identifiers: ClinVar variation 4534219 (VCV004534219.7).
Genomic context (GRCh38, chr17:7,496,835, plus strand): 5'-CTGTGGGCGGTACCAGCCCAGGATCCGGCGTTCTGGCCTAGAGCTGTATGCGGAATGGAA[G>A]CACGTTAATGAGGACTCTCAGGAGAAGAAGATCCTGCTGAGTCCAGAGCGAGTGCATGAG-3'
Protein context (NP_000928.1, residues 193-213): RSGLELYAEW[Lys203=]HVNEDSQEKK